The following is an entry in ClinVar:

ClinVar aggregate classification (germline): Uncertain significance. Review status: criteria provided, multiple submitters, no conflicts (2 of 4 stars). 5 submissions from 5 submitters: Uncertain significance (4). 1 of the submissions does not count toward it. Last evaluated 2026-04-28.

Conditions:
Glycine encephalopathy. Also called: Nonketotic hyperglycinemia; Non-ketotic hyperglycinemia. Identifiers: Orphanet 407, MedGen C0751748, MONDO:0011612, HP:0008288.

Allele frequency attached by ClinVar (database versions not stated): TOPMed 0.00002; 1000 Genomes Project 30x 0.00016; 1000 Genomes Project 0.00020.
gnomAD v4.1: 49 of 1,611,960 alleles (0.003%); highest among the groups gnomAD compares: Middle Eastern, 0.043%; no homozygotes.

Submissions (5):

Women's Health and Genetics/Laboratory Corporation of America, LabCorp
Classification: Uncertain significance. Last evaluated: 2026-04-28. Review status: criteria provided, single submitter. Criteria: LabCorp Variant Classification Summary - May 2015. Collection method: clinical testing. Allele origin: germline.
Comment: Variant summary: GLDC c.861+5G>A alters a nucleotide located close to a canonical splice site and therefore could affect mRNA splicing, leading to a significantly altered protein sequence. Several computational tools predict a significant impact on normal splicing: Three predict the variant abolishes the canonical 5' splicing donor site and one predicts the variant weakens the 5' donor site. However, these predictions have yet to be confirmed by functional studies. The variant allele was found at a frequency of 6.8e-05 in 251452 control chromosomes. This frequency is not significantly higher than estimated for disease-causing variants in GLDC, allowing no conclusion about variant significance. To our knowledge, no occurrence of c.861+5G>A in individuals affected with GLDC-related conditions and no experimental evidence demonstrating its impact on protein function have been reported. ClinVar contains an entry for this variant (Variation ID: 843542). Based on the evidence outlined above, the variant was classified as uncertain significance.

Blueprint Genetics
Classification: Uncertain significance. Last evaluated: 2023-06-19. Review status: criteria provided, single submitter. Criteria: ACMG Guidelines, 2015. Collection method: clinical testing. Allele origin: germline.

Labcorp Genetics (formerly Invitae), Labcorp
Classification: Uncertain significance for Glycine encephalopathy. Last evaluated: 2022-11-01. Review status: criteria provided, single submitter. Criteria: Invitae Variant Classification Sherloc (09022015). Collection method: clinical testing. Allele origin: germline.
Comment: This sequence change falls in intron 6 of the GLDC gene. It does not directly change the encoded amino acid sequence of the GLDC protein. It affects a nucleotide within the consensus splice site. This variant is present in population databases (rs192663616, gnomAD 0.02%). This variant has not been reported in the literature in individuals affected with GLDC-related conditions. ClinVar contains an entry for this variant (Variation ID: 843542). Variants that disrupt the consensus splice site are a relatively common cause of aberrant splicing (PMID: 17576681, 9536098). Algorithms developed to predict the effect of sequence changes on RNA splicing suggest that this variant is not likely to affect RNA splicing. In summary, the available evidence is currently insufficient to determine the role of this variant in disease. Therefore, it has been classified as a Variant of Uncertain Significance.

New York Genome Center
Classification: Uncertain significance for Glycine encephalopathy 1. Last evaluated: 2020-05-22. Review status: criteria provided, single submitter. Criteria: NYGC Assertion Criteria 2020. Collection method: clinical testing. Allele origin: germline. Inheritance: Autosomal recessive inheritance. Observed: 1 heterozygote. Study: CSER-NYCKidSeq.

Natera, Inc.
Classification: Uncertain significance for Non-ketotic hyperglycinemia. Last evaluated: 2019-12-17. Review status: no assertion criteria provided. Collection method: clinical testing. Allele origin: germline. Not counted in ClinVar's aggregate classification.

Literature cited by the submitters: PubMed 17576681 (cited by Labcorp Genetics (formerly Invitae), Labcorp); PubMed 9536098 (cited by Labcorp Genetics (formerly Invitae), Labcorp).

NM_000170.3(GLDC):c.861+5G>A

Gene: GLDC (glycine decarboxylase; minus strand). Cytogenetic location: 9p24.1.
Variant type: single nucleotide variant.
Coding change: c.861+5G>A on transcript NM_000170.3 (MANE Select); 5 bases into the intron after coding-DNA position 861, G replaced by A.
Molecular consequence: intron variant.
Genome position (GRCh38, 1-based): chr9:6,605,126, C>T on the plus strand (G>A on the coding strand, the complement: GLDC is on the minus strand). VCF-style: chr9-6605126-C-T. GRCh37 (hg19) VCF-style: chr9-6605126-C-T.
Identifiers: ClinVar variation 843542 (VCV000843542.9), dbSNP rs192663616, ClinGen allele CA4980967.
Genomic context (GRCh38, chr9:6,605,126, plus strand): 5'-GATAGGTAGACAGATACAAGTTGGGATACGCCTCCACGGACCCCCCACAAGAAAGGTATA[C>T]CTACCCCACTCTGATGAGCTCTCTCCACGAGTTCCGTAAAGTCTTCCACCTTCCCCTCCG-3'